The following is an entry in ClinVar:

NM_016222.4(DDX41):c.998T>C (p.Val333Ala)

Gene: DDX41 (DEAD-box helicase 41; minus strand). Cytogenetic location: 5q35.3.
Variant type: single nucleotide variant.
Coding change: c.998T>C on transcript NM_016222.4 (MANE Select); coding-DNA position 998, T replaced by C.
Protein change: p.Val333Ala; replaces valine 333 with alanine.
Molecular consequence: missense variant.
Genome position (GRCh38, 1-based): chr5:177,513,785, A>G on the plus strand (T>C on the coding strand, the complement: DDX41 is on the minus strand). VCF-style: chr5-177513785-A-G. GRCh37 (hg19) VCF-style: chr5-176940786-A-G.
Other names: c.620T>C, p.Val207Ala (NM_001321732.2, NM_001321830.2); short protein forms V207A, V333A.
Identifiers: ClinVar variation 4010262 (VCV004010262.1).

ClinVar aggregate classification (germline): Uncertain significance (1 of 4 stars; one submission).

Conditions:
Inborn genetic diseases. Identifiers: MedGen C0950123, MeSH D030342.

Submission:

Ambry Genetics
Classification: Uncertain significance for Inborn genetic diseases. Last evaluated: 2025-03-15. Review status: criteria provided, single submitter. Criteria: Ambry Variant Classification Scheme 2023. Collection method: clinical testing. Allele origin: germline.
Comment: The p.V333A variant (also known as c.998T>C), located in coding exon 10 of the DDX41 gene, results from a T to C substitution at nucleotide position 998. The valine at codon 333 is replaced by alanine, an amino acid with similar properties. This amino acid position is conserved. In addition, this alteration is predicted to be tolerated by in silico analysis. Based on the available evidence, the clinical significance of this variant remains unclear.